The following is an entry in ClinVar:

ClinVar aggregate classification (germline): Conflicting classifications of pathogenicity. Review status: criteria provided, conflicting classifications (1 of 4 stars). 5 submissions from 5 submitters: Uncertain significance (3); Likely benign (2). Last evaluated 2025-08-28.

Conditions:
Tuberous sclerosis 2 (TSC2). Identifiers: Orphanet 805, MedGen C1860707, MONDO:0013199, OMIM 613254.
Hereditary cancer-predisposing syndrome. Also called: Neoplastic Syndromes, Hereditary; Hereditary Cancer Syndrome; Tumor predisposition; Hereditary neoplastic syndrome. Identifiers: Orphanet 140162, MedGen C0027672, MeSH D009386, MONDO:0015356.
Tuberous sclerosis syndrome (TSC). Also called: Tuberous Sclerosis Complex; Tuberous sclerosis. Identifiers: Orphanet 805, MedGen C0041341, MONDO:0001734.

Allele frequency attached by ClinVar (database versions not stated): gnomAD exomes below 0.00001; TOPMed below 0.00001.

Submissions (5):

Color Diagnostics, LLC DBA Color Health
Classification: Uncertain significance for Tuberous sclerosis syndrome. Last evaluated: 2025-08-28. Review status: criteria provided, single submitter. Criteria: ACMG Guidelines, 2015. Collection method: clinical testing. Allele origin: germline.
Comment: This missense variant replaces isoleucine with threonine at codon 893 of the TSC2 protein. Computational prediction suggests that this variant may have deleterious impact on protein structure and function. To our knowledge, functional studies have not been reported for this variant. This variant has not been reported in individuals affected with TSC2-related disorders in the literature. This variant has not been identified in the general population by the Genome Aggregation Database (gnomAD). The available evidence is insufficient to determine the role of this variant in disease conclusively. Therefore, this variant is classified as a Variant of Uncertain Significance.

Labcorp Genetics (formerly Invitae), Labcorp
Classification: Likely benign for Tuberous sclerosis 2. Last evaluated: 2025-04-17. Review status: criteria provided, single submitter. Criteria: Invitae Variant Classification Sherloc (09022015). Collection method: clinical testing. Allele origin: germline.

Ambry Genetics
Classification: Likely benign for Hereditary cancer-predisposing syndrome. Last evaluated: 2023-01-20. Review status: criteria provided, single submitter. Criteria: Ambry Variant Classification Scheme 2023. Collection method: clinical testing. Allele origin: germline.

GeneDx
Classification: Uncertain significance. Last evaluated: 2023-01-20. Review status: criteria provided, single submitter. Criteria: GeneDx Variant Classification Process June 2021. Collection method: clinical testing. Allele origin: germline. Affected: yes.
Comment: Not observed at significant frequency in large population cohorts (gnomAD); In silico analysis supports that this missense variant has a deleterious effect on protein structure/function; Has not been previously published as pathogenic or benign to our knowledge

Genome-Nilou Lab
Classification: Uncertain significance for Tuberous sclerosis 2. Last evaluated: 2021-11-07. Review status: criteria provided, single submitter. Criteria: ACMG Guidelines, 2015. Collection method: clinical testing. Allele origin: germline. Affected: no.

NM_000548.5(TSC2):c.2678T>C (p.Ile893Thr)

Gene: TSC2 (TSC complex subunit 2; plus strand). Cytogenetic location: 16p13.3.
Variant type: single nucleotide variant.
Coding change: c.2678T>C on transcript NM_000548.5 (MANE Select); coding-DNA position 2678, T replaced by C.
Protein change: p.Ile893Thr; replaces isoleucine 893 with threonine.
Molecular consequence: missense variant.
Genome position (GRCh38, 1-based): chr16:2,076,106, T>C. VCF-style: chr16-2076106-T-C. GRCh37 (hg19) VCF-style: chr16-2126107-T-C.
Other names: p.I893T:ATA>ACA; c.2678T>C, p.Ile893Thr (NM_001077183.3, NM_001114382.3, NM_001363528.2 and 3 more transcripts); c.2567T>C, p.Ile856Thr (NM_001318827.2); c.2531T>C, p.Ile844Thr (NM_001318829.2); c.2078T>C, p.Ile693Thr (NM_001318831.2); c.2711T>C, p.Ile904Thr (NM_001318832.2); short protein forms I893T, I693T, I844T, I904T, I856T.
Identifiers: ClinVar variation 207734 (VCV000207734.15), dbSNP rs796053491, ClinGen allele CA319484.